The following is an entry in ClinVar:

ClinVar aggregate classification (germline): Pathogenic/Likely pathogenic. Review status: criteria provided, multiple submitters, no conflicts (2 of 4 stars). 2 submissions from 2 submitters: Pathogenic (1); Likely pathogenic (1). Last evaluated 2024-02-23.

Conditions:
alpha Thalassemia. Also called: Alpha thalassemia spectrum. Identifiers: Orphanet 846, MedGen C0002312, MONDO:0011399, OMIM 604131.

Submissions (2):

Natera, Inc.
Classification: Likely pathogenic for Alpha thalassemia. Last evaluated: 2024-02-23. Review status: criteria provided, single submitter. Criteria: Natera Variant Classification Schema (03/2026). Collection method: clinical testing. Allele origin: germline.
Comment: The c.358_362delCCTGC variant in HBA1 is a frameshift variant predicted to elongate the protein beyond the termination codon. This variant is expected to result in nonsense mediated decay, truncation, or a dysfunctional protein product. This variant is rare in the general population with a frequency below the threshold expected for the associated phenotype(s). Given the available evidence, this variant is classified as Likely Pathogenic.

Revvity Omics, Revvity
Classification: Pathogenic. Last evaluated: 2019-09-05. Review status: criteria provided, single submitter. Criteria: ACMG Guidelines, 2015. Collection method: clinical testing. Allele origin: germline.

NM_000558.5(HBA1):c.358_362del (p.Pro120fs)

Genes: HBA1 (hemoglobin subunit alpha 1; plus strand), LOC106804613 (hemoglobin subunit alpha 1 recombination region; plus strand). Cytogenetic location: 16p13.3.
Variant type: Deletion.
Coding change: c.358_362del on transcript NM_000558.5 (MANE Select); coding-DNA positions 358 to 362, 5 bases deleted (CCTGC; older notation c.358_362delCCTGC).
Protein change: p.Pro120fs; shifts the reading frame from proline 120.
Molecular consequence: frameshift variant.
Genome position (GRCh38, 1-based): chr16:177,340-177,344, CCTGC deleted; deleting any 5 consecutive bases within chr16:177,339-177,344 gives the same sequence; the c. name uses the placement nearest the transcript's 3' end. VCF-style (leftmost placement, unchanged base first): chr16-177338-CCCCTG-C. GRCh37 (hg19) VCF-style: chr16-227337-CCCCTG-C.
Other names: c.358_362delCCTGC (NM_000558.4); short protein forms P120fs.
Identifiers: ClinVar variation 1323050 (VCV001323050.5), dbSNP rs2142021563, ClinGen allele CA2573054151.